The following is an entry in ClinVar:

NC_000011.10:g.(?_2583425)_(2588864_?)del

Gene: KCNQ1 (potassium voltage-gated channel subfamily Q member 1; plus strand). Cytogenetic location: 11p15.5.
Variant type: Deletion.
Identifiers: ClinVar variation 830542 (VCV000830542.1).

ClinVar aggregate classification (germline): Pathogenic (1 of 4 stars; one submission).

Conditions:
Long QT syndrome (LQTS). Identifiers: MedGen C0023976, MeSH D008133, MONDO:0002442. Disease mechanism: loss of function. Inheritance: Various modes of inheritance.

Submission:

Labcorp Genetics (formerly Invitae), Labcorp
Classification: Pathogenic for Long QT syndrome. Last evaluated: 2019-08-14. Review status: criteria provided, single submitter. Criteria: Invitae Variant Classification Sherloc (09022015). Collection method: clinical testing. Allele origin: germline.
Comment: This variant is an out-of-frame deletion of the genomic region encompassing exons 7-10 of the KCNQ1 gene. This is expected to create a premature translational stop signal and result in an absent or disrupted protein product. This variant was reported in a family with Jervell and Lange-Nielsen Syndrome (PMID: 25187895) and in an individual with Long QT syndrome (PMID: 22382802). Loss-of-function variants in KCNQ1 are known to be pathogenic (PMID: 9323054, 19862833). For these reasons, this variant has been classified as Pathogenic.

Literature cited by the submitters: PubMed 22382802; PubMed 25187895.